The following is an entry in ClinVar:

ClinVar aggregate classification (germline): Uncertain significance (1 of 4 stars; one submission).

Submission:

Dasa
Classification: Uncertain significance. Last evaluated: 2026-03-03. Review status: criteria provided, single submitter. Criteria: DASA Assertion Criteria. Collection method: clinical testing. Allele origin: germline.
Comment: NM_017617.5(NOTCH1):c.4839G>C (p.Gln1613His) is a missense variant that results in the substitution of glutamine with histidine. This variant is rare in population databases. The currently available literature and clinical evidence are not sufficient to establish a definitive association between this variant and the reported condition. Therefore, this variant is classified as a variant of uncertain significance.

NM_017617.5(NOTCH1):c.4839G>C (p.Gln1613His)

Gene: NOTCH1 (notch receptor 1; minus strand). Cytogenetic location: 9q34.3.
Variant type: single nucleotide variant.
Coding change: c.4839G>C on transcript NM_017617.5 (MANE Select); coding-DNA position 4839, G replaced by C.
Protein change: p.Gln1613His; replaces glutamine 1613 with histidine.
Molecular consequence: missense variant.
Genome position (GRCh38, 1-based): chr9:136,504,852, C>G on the plus strand (G>C on the coding strand, the complement: NOTCH1 is on the minus strand). VCF-style: chr9-136504852-C-G. GRCh37 (hg19) VCF-style: chr9-139399304-C-G.
Other names: short protein forms Q1613H.
Identifiers: ClinVar variation 4881476 (VCV004881476.2).